The following is an entry in ClinVar:

ClinVar aggregate classification (germline): Likely benign (0 of 4 stars; one submission).

Conditions:
JAG1-related disorder. Also called: JAG1-related disorders; JAG1-related condition.

Submission:

PreventionGenetics, part of Exact Sciences
Classification: Likely benign for JAG1-related condition. Last evaluated: 2023-12-12. Review status: no assertion criteria provided. Collection method: clinical testing. Allele origin: germline.
Comment: This variant is classified as likely benign based on ACMG/AMP sequence variant interpretation guidelines (Richards et al. 2015 PMID: 25741868, with internal and published modifications).

NM_000214.3(JAG1):c.387+6_387+7del

Gene: JAG1 (jagged canonical Notch ligand 1; minus strand). Cytogenetic location: 20p12.2.
Variant type: Deletion.
Coding change: c.387+6_387+7del on transcript NM_000214.3 (MANE Select); bases 6 to 7 of the intron after coding-DNA position 387, 2 bases deleted (TG; older notation c.387+6_387+7delTG).
Molecular consequence: intron variant.
Genome position (GRCh38, 1-based): chr20:10,672,694-10,672,695, CA deleted on the plus strand (TG on the coding strand, the reverse complement: JAG1 is on the minus strand); deleting any 2 consecutive bases within chr20:10,672,694-10,672,696 gives the same sequence; the c. name uses the placement nearest the transcript's 3' end. VCF-style (leftmost placement, unchanged base first): chr20-10672693-TCA-T. GRCh37 (hg19) VCF-style: chr20-10653341-TCA-T.
Identifiers: ClinVar variation 3051853 (VCV003051853.2), dbSNP rs1280182295, ClinGen allele CA634801922.
Genomic context (GRCh38, chr20:10,672,693, plus strand): 5'-GGATAACAGGGCTCGGCCAGGCGCGGGTGTGAGGCTCCGCCCGGCCTCCTTCCCGAGTAG[TCA>T]CTCACCGGCCAGGCGAAACTGAAAGGCAGCACGATGCGGTTGCGGTCGTTGCCGCGGCTG-3'